The following is an entry in ClinVar:

ClinVar aggregate classification (germline): Pathogenic (1 of 4 stars; one submission).

Submission:

Labcorp Genetics (formerly Invitae), Labcorp
Classification: Pathogenic. Last evaluated: 2022-12-25. Review status: criteria provided, single submitter. Criteria: Invitae Variant Classification Sherloc (09022015). Collection method: clinical testing. Allele origin: germline.
Comment: This sequence change creates a premature translational stop signal (p.Ile1125*) in the USH2A gene. It is expected to result in an absent or disrupted protein product. Loss-of-function variants in USH2A are known to be pathogenic (PMID: 10729113, 10909849, 20507924, 25649381). This variant is not present in population databases (gnomAD no frequency). This variant has not been reported in the literature in individuals affected with USH2A-related conditions. ClinVar contains an entry for this variant (Variation ID: 859369). For these reasons, this variant has been classified as Pathogenic.

Literature cited by the submitters: PubMed 10729113; PubMed 10909849; PubMed 20507924; PubMed 25649381.

NM_206933.4(USH2A):c.3372_3373del (p.Tyr1124_Ile1125insTer)

Genes: USH2A (usherin; minus strand), USH2A-AS1 (USH2A antisense RNA 1; plus strand). Cytogenetic location: 1q41.
Variant type: Deletion.
Coding change: c.3372_3373del on transcript NM_206933.4 (MANE Select); coding-DNA positions 3372 to 3373, 2 bases deleted (CA; older notation c.3372_3373delCA).
Protein change: p.Tyr1124_Ile1125insTer.
Molecular consequence: frameshift variant.
Genome position (GRCh38, 1-based): chr1:216,200,065-216,200,066, TG deleted on the plus strand (CA on the coding strand, the reverse complement: USH2A is on the minus strand); deleting any 2 consecutive bases within chr1:216,200,065-216,200,067 gives the same sequence; the c. name uses the placement nearest the transcript's 3' end. VCF-style (leftmost placement, unchanged base first): chr1-216200064-ATG-A. GRCh37 (hg19) VCF-style: chr1-216373406-ATG-A.
Other names: c.3372_3373del, p.Tyr1124_Ile1125insTer (NM_007123.6).
Identifiers: ClinVar variation 859369 (VCV000859369.7), dbSNP rs2034949292, ClinGen allele CA916082141.